The following is an entry in ClinVar:

ClinVar aggregate classification (germline): Uncertain significance (1 of 4 stars; one submission).

Submission:

Labcorp Genetics (formerly Invitae), Labcorp
Classification: Uncertain significance. Last evaluated: 2025-09-18. Review status: criteria provided, single submitter. Criteria: Invitae Variant Classification Sherloc (09022015). Collection method: clinical testing. Allele origin: germline.
Comment: This sequence change replaces glycine, which is neutral and non-polar, with alanine, which is neutral and non-polar, at codon 685 of the KMT2A protein (p.Gly685Ala). This variant is not present in population databases (gnomAD no frequency). This variant has not been reported in the literature in individuals affected with KMT2A-related conditions. Invitae Evidence Modeling of protein sequence and biophysical properties (such as structural, functional, and spatial information, amino acid conservation, physicochemical variation, residue mobility, and thermodynamic stability) has been performed for this missense variant. However, the output from this modeling did not meet the statistical confidence thresholds required to predict the impact of this variant on KMT2A protein function. In summary, the available evidence is currently insufficient to determine the role of this variant in disease. Therefore, it has been classified as a Variant of Uncertain Significance.

NM_001197104.2(KMT2A):c.2054G>C (p.Gly685Ala)

Gene: KMT2A (lysine methyltransferase 2A; plus strand). Cytogenetic location: 11q23.3.
Variant type: single nucleotide variant.
Coding change: c.2054G>C on transcript NM_001197104.2 (MANE Select); coding-DNA position 2054, G replaced by C.
Protein change: p.Gly685Ala; replaces glycine 685 with alanine.
Molecular consequence: missense variant.
Genome position (GRCh38, 1-based): chr11:118,473,213, G>C. VCF-style: chr11-118473213-G-C. GRCh37 (hg19) VCF-style: chr11-118343928-G-C.
Other names: c.2153G>C, p.Gly718Ala (NM_001412597.1); c.2054G>C, p.Gly685Ala (NM_005933.4); short protein forms G718A, G685A.
Identifiers: ClinVar variation 4772708 (VCV004772708.1).